The following is an entry in ClinVar:

ClinVar aggregate classification (germline): Likely benign. Review status: criteria provided, multiple submitters, no conflicts (2 of 4 stars). 2 submissions from 2 submitters: Likely benign (2). Last evaluated 2025-02-06.

Conditions:
POLD1-related polyposis and colorectal cancer syndrome (CRCS10). Also called: Colorectal cancer 10; Colorectal cancer, susceptibility to, 10; COLORECTAL CANCER, SUSCEPTIBILITY TO, ON CHROMOSOME 19q. Identifiers: Orphanet 220460, MedGen C2675481, MONDO:0012953, OMIM 612591.

Submissions (2):

Myriad Genetics, Inc.
Classification: Likely benign for POLD1-related polyposis and colorectal cancer syndrome. Last evaluated: 2025-02-06. Review status: criteria provided, single submitter. Criteria: Myriad Autosomal Dominant, Autosomal Recessive and X-Linked Classification Criteria (2023). Collection method: clinical testing. Allele origin: unknown.
Comment: This variant is considered likely benign. This variant is intronic and is not expected to impact mRNA splicing.

Labcorp Genetics (formerly Invitae), Labcorp
Classification: Likely benign for POLD1-related polyposis and colorectal cancer syndrome. Last evaluated: 2023-08-31. Review status: criteria provided, single submitter. Criteria: Invitae Variant Classification Sherloc (09022015). Collection method: clinical testing. Allele origin: germline.

NM_002691.4(POLD1):c.1494+9T>C

Gene: POLD1 (DNA polymerase delta 1, catalytic subunit; plus strand). Cytogenetic location: 19q13.33.
Variant type: single nucleotide variant.
Coding change: c.1494+9T>C on transcript NM_002691.4 (MANE Select); 9 bases into the intron after coding-DNA position 1494, T replaced by C.
Molecular consequence: intron variant.
Genome position (GRCh38, 1-based): chr19:50,406,526, T>C. VCF-style: chr19-50406526-T-C. GRCh37 (hg19) VCF-style: chr19-50909783-T-C.
Other names: c.1494+9T>C (NM_001256849.1, NM_001308632.1).
Identifiers: ClinVar variation 2735557 (VCV002735557.4), dbSNP rs2513995670, ClinGen allele CA2586569715.